The following is an entry in ClinVar:

NM_001611.5(ACP5):c.766G>A (p.Val256Met)

Gene: ACP5 (acid phosphatase 5, tartrate resistant; minus strand). Cytogenetic location: 19p13.2.
Variant type: single nucleotide variant.
Coding change: c.766G>A on transcript NM_001611.5 (MANE Select); coding-DNA position 766, G replaced by A.
Protein change: p.Val256Met; replaces valine 256 with methionine.
Molecular consequence: missense variant.
Genome position (GRCh38, 1-based): chr19:11,575,222, C>T on the plus strand (G>A on the coding strand, the complement: ACP5 is on the minus strand). VCF-style: chr19-11575222-C-T. GRCh37 (hg19) VCF-style: chr19-11686037-C-T.
Other names: c.766G>A, p.Val256Met (NM_001111034.3, NM_001111035.3, NM_001111036.3 and 1 more transcripts); short protein forms V256M.
Identifiers: ClinVar variation 1350937 (VCV001350937.6), dbSNP rs146196342, ClinGen allele CA9215324.

ClinVar aggregate classification (germline): Uncertain significance. Review status: criteria provided, multiple submitters, no conflicts (2 of 4 stars). 2 submissions from 2 submitters: Uncertain significance (2). Last evaluated 2024-03-20.

Conditions:
Spondyloenchondrodysplasia with immune dysregulation (SPENCDI). Also called: SPONDYLOENCHONDRODYSPLASIA WITH OR WITHOUT IMMUNE DYSREGULATION; ROIFMAN IMMUNOSKELETAL SYNDROME; COMBINED IMMUNODEFICIENCY WITH AUTOIMMUNITY AND SPONDYLOMETAPHYSEAL DYSPLASIA. Identifiers: Orphanet 1855, MedGen C1842763, MONDO:0011939, OMIM 607944.

gnomAD v4.1: 171 of 1,613,734 alleles (0.011%); highest among the groups gnomAD compares: Non-Finnish European, 0.014%; no homozygotes.

Submissions (2):

Blueprint Genetics
Classification: Uncertain significance. Last evaluated: 2024-03-20. Review status: criteria provided, single submitter. Criteria: ACMG Guidelines, 2015. Collection method: clinical testing. Allele origin: germline.

Labcorp Genetics (formerly Invitae), Labcorp
Classification: Uncertain significance for Spondyloenchondrodysplasia with immune dysregulation. Last evaluated: 2022-08-08. Review status: criteria provided, single submitter. Criteria: Invitae Variant Classification Sherloc (09022015). Collection method: clinical testing. Allele origin: germline.
Comment: This sequence change replaces valine, which is neutral and non-polar, with methionine, which is neutral and non-polar, at codon 256 of the ACP5 protein (p.Val256Met). This variant is present in population databases (rs146196342, gnomAD 0.02%). This variant has not been reported in the literature in individuals affected with ACP5-related conditions. ClinVar contains an entry for this variant (Variation ID: 1350937). Algorithms developed to predict the effect of missense changes on protein structure and function are either unavailable or do not agree on the potential impact of this missense change (SIFT: "Not Available"; PolyPhen-2: "Benign"; Align-GVGD: "Not Available"). In summary, the available evidence is currently insufficient to determine the role of this variant in disease. Therefore, it has been classified as a Variant of Uncertain Significance.